The following is an entry in ClinVar:

ClinVar aggregate classification (germline): Conflicting classifications of pathogenicity. Review status: criteria provided, conflicting classifications (1 of 4 stars). 4 submissions from 4 submitters: Pathogenic (2); Likely pathogenic (1); Uncertain significance (1). Last evaluated 2025-07-03.

Conditions:
Malignant hyperthermia, susceptibility to, 1 (MHS1). Also called: RYR1-Related Malignant Hyperthermia Susceptibility; Malignant hyperthermia suceptibility 1; Anesthesia related hyperthermia; Malignant hyperpyrexia; Fulminating hyperpyrexia; Pharmacogenic myopathy. Identifiers: Orphanet 423, MedGen C2930980, MONDO:0007783, OMIM 145600.
Central core disease, autosomal recessive. Identifiers: MedGen C4016368.

Submissions (4):

Color Diagnostics, LLC DBA Color Health
Classification: Uncertain significance for Malignant hyperthermia, susceptibility to, 1. Last evaluated: 2025-07-03. Review status: criteria provided, single submitter. Criteria: ACMG Guidelines, 2015. Collection method: clinical testing. Allele origin: germline.
Comment: This variant inserts 1 nucleotide in exon 71 of the RYR1 gene, creating a frameshift and premature translation stop signal. This variant is expected to result in an absent or non-functional protein product. To our knowledge, this variant has not been reported in individuals affected with RYR1-related disorders in the literature. This variant has been identified in 1/251260 chromosomes in the general population by the Genome Aggregation Database (gnomAD). Loss of RYR1 function due to truncation variants is not an established disease mechanism for autosomal dominant malignant hyperthermia, although it is associated with other phenotype(s) (ClinVar Variation ID: 590367). Therefore, this variant is classified as a Variant of Uncertain Significance for autosomal dominant malignant hyperthermia.

CeGaT Center for Human Genetics Tuebingen
Classification: Pathogenic. Last evaluated: 2023-01-01. Review status: criteria provided, single submitter. Criteria: CeGaT Center For Human Genetics Tuebingen Variant Classification Criteria Version 2. Collection method: clinical testing. Allele origin: germline. Affected: yes. Observed: 2 variant alleles.
Comment: RYR1: PVS1, PM2

PreventionGenetics, part of Exact Sciences
Classification: Likely pathogenic. Last evaluated: 2018-07-20. Review status: criteria provided, single submitter. Criteria: ACMG Guidelines, 2015. Collection method: clinical testing. Allele origin: germline.

Rady Children's Institute for Genomic Medicine, Rady Children's Hospital San Diego
Classification: Pathogenic for CENTRAL CORE DISEASE, AUTOSOMAL RECESSIVE. Last evaluated: 2017-11-30. Review status: criteria provided, single submitter. Criteria: ACMG Guidelines, 2015. Collection method: clinical testing. Allele origin: germline. Affected: yes. Observed: 1 variant allele.
Comment: This frameshifting variant occurs in exon 71, early termination results in a predicted loss of functional protein. This variant has not been previously reported in the literature to our knowledge and it is absent from population databases, thus it is presumed to be rare. There are several reports of frameshifting RYR1 variants as pathogenic in the literature (PMID: 23553484, 16917943). Based on the combined evidence, the c.10501dupG, p.Asp3501GlyfsTer47 variant is classified as pathogenic.

NM_000540.3(RYR1):c.10501dup (p.Asp3501fs)

Gene: RYR1 (ryanodine receptor 1; plus strand). Cytogenetic location: 19q13.2.
Variant type: Duplication.
Coding change: c.10501dup on transcript NM_000540.3 (MANE Select); coding-DNA position 10501, one base duplicated (G; older notation c.10501dupG).
Protein change: p.Asp3501fs; shifts the reading frame from aspartic acid 3501.
Molecular consequence: frameshift variant.
Genome position (GRCh38, 1-based): chr19:38,525,377, G duplicated; the last of 6 consecutive G bases (chr19:38,525,372-38,525,377); duplicating any one gives the same sequence. VCF-style (leftmost placement, unchanged base first): chr19-38525371-C-CG. GRCh37 (hg19) VCF-style: chr19-39016011-C-CG.
Other names: c.10501dupG (NM_000540.2); c.10486dup, p.Asp3496fs (NM_001042723.2); short protein forms D3496fs, D3501fs.
Identifiers: ClinVar variation 590367 (VCV000590367.42), dbSNP rs1568537774, ClinGen allele CA633066887.